The following is an entry in ClinVar:

NM_198586.3(NHLRC1):c.456G>C (p.Lys152Asn)

Gene: NHLRC1 (NHL repeat containing E3 ubiquitin protein ligase 1; minus strand). Cytogenetic location: 6p22.3.
Variant type: single nucleotide variant.
Coding change: c.456G>C on transcript NM_198586.3 (MANE Select); coding-DNA position 456, G replaced by C.
Protein change: p.Lys152Asn; replaces lysine 152 with asparagine.
Molecular consequence: missense variant.
Genome position (GRCh38, 1-based): chr6:18,122,151, C>G on the plus strand (G>C on the coding strand, the complement: NHLRC1 is on the minus strand). VCF-style: chr6-18122151-C-G. GRCh37 (hg19) VCF-style: chr6-18122382-C-G.
Other names: short protein forms K152N.
Identifiers: ClinVar variation 1439186 (VCV001439186.6), dbSNP rs2150703098, ClinGen allele CA362827974.

ClinVar aggregate classification (germline): Uncertain significance (1 of 4 stars; one submission).

Conditions:
Lafora disease. Also called: Epilepsy progressive myoclonic 2; Progressive Myoclonus Epilepsy, Lafora Type. Identifiers: Orphanet 501, MedGen C0751783, MONDO:0009697.

Submission:

Labcorp Genetics (formerly Invitae), Labcorp
Classification: Uncertain significance for Lafora disease. Last evaluated: 2021-08-28. Review status: criteria provided, single submitter. Criteria: Invitae Variant Classification Sherloc (09022015). Collection method: clinical testing. Allele origin: germline.
Comment: This sequence change replaces lysine with asparagine at codon 152 of the NHLRC1 protein (p.Lys152Asn). The lysine residue is highly conserved and there is a moderate physicochemical difference between lysine and asparagine. This variant is not present in population databases (ExAC no frequency). This variant has not been reported in the literature in individuals affected with NHLRC1-related conditions. Algorithms developed to predict the effect of missense changes on protein structure and function (SIFT, PolyPhen-2, Align-GVGD) all suggest that this variant is likely to be tolerated. In summary, the available evidence is currently insufficient to determine the role of this variant in disease. Therefore, it has been classified as a Variant of Uncertain Significance.